The following is an entry in ClinVar:

NM_012199.5(AGO1):c.24A>T (p.Ala8=)

Gene: AGO1 (argonaute RISC component 1; plus strand). Cytogenetic location: 1p34.3.
Variant type: single nucleotide variant.
Coding change: c.24A>T on transcript NM_012199.5 (MANE Select); coding-DNA position 24, A replaced by T.
Protein change: p.Ala8=; no amino-acid change (alanine 8 retained).
Molecular consequence: synonymous variant. On other transcripts: intron variant (1).
Genome position (GRCh38, 1-based): chr1:35,883,445, A>T. VCF-style: chr1-35883445-A-T. GRCh37 (hg19) VCF-style: chr1-36349046-A-T.
Other names: c.24A>T, p.Ala8= (NM_001317122.2); c.-200-4982A>T (NM_001317123.2).
Identifiers: ClinVar variation 3366548 (VCV003366548.1).

ClinVar aggregate classification (germline): Uncertain significance (1 of 4 stars; one submission).

Submission:

Women's Health and Genetics/Laboratory Corporation of America, LabCorp
Classification: Uncertain significance. Last evaluated: 2024-08-01. Review status: criteria provided, single submitter. Criteria: LabCorp Variant Classification Summary - May 2015. Collection method: clinical testing. Allele origin: germline.
Comment: Variant summary: AGO1 c.24A>T (p.Ala8Ala) alters a conserved nucleotide in the last nucleotide of exon 1 adjacent to the exon 1/intron 1 5' splice donor site and therefore could affect mRNA splicing, leading to a significantly altered protein sequence. Several computational tools predict a significant impact on normal splicing: Three predict the variant weakens a 5' donor site. However, these predictions have yet to be confirmed by functional studies. The variant was absent in 195376 control chromosomes. The available data on variant occurrences in the general population are insufficient to allow any conclusion about variant significance. To our knowledge, no occurrence of c.24A>T in individuals affected with Neurodevelopmental Disorder With Language Delay And Behavioral Abnormalities, With Or Without Seizures and no experimental evidence demonstrating its impact on protein function have been reported. No submitters have cited clinical-significance assessments for this variant to ClinVar. Based on the evidence outlined above, the variant was classified as uncertain significance.